The following is an entry in ClinVar:

NM_000137.4(FAH):c.-7C>T

Gene: FAH (fumarylacetoacetate hydrolase; plus strand). Cytogenetic location: 15q25.1.
Variant type: single nucleotide variant.
Coding change: c.-7C>T on transcript NM_000137.4 (MANE Select); 7 bases upstream of the start codon, C replaced by T.
Molecular consequence: 5 prime UTR variant.
Genome position (GRCh38, 1-based): chr15:80,153,048, C>T. VCF-style: chr15-80153048-C-T. GRCh37 (hg19) VCF-style: chr15-80445390-C-T.
Other names: c.-7C>T (NM_001374377.1, NM_001374380.1).
Identifiers: ClinVar variation 513238 (VCV000513238.1), dbSNP rs1555440078, ClinGen allele CA658798411.

ClinVar aggregate classification (germline): Likely benign (1 of 4 stars; one submission).

Submission:

GeneDx
Classification: Likely benign. Last evaluated: 2017-11-21. Review status: criteria provided, single submitter. Criteria: GeneDx Variant Classification (06012015). Collection method: clinical testing. Allele origin: germline. Affected: yes.
Comment: This variant is considered likely benign or benign based on one or more of the following criteria: it is a conservative change, it occurs at a poorly conserved position in the protein, it is predicted to be benign by multiple in silico algorithms, and/or has population frequency not consistent with disease.